The following is an entry in ClinVar:

NM_000368.5(TSC1):c.3066del (p.Arg1022fs)

Gene: TSC1 (TSC complex subunit 1; minus strand). Cytogenetic location: 9q34.13.
Variant type: Deletion.
Coding change: c.3066del on transcript NM_000368.5 (MANE Select); coding-DNA position 3066, one base deleted (G; older notation c.3066delG).
Protein change: p.Arg1022fs; shifts the reading frame from arginine 1022.
Molecular consequence: frameshift variant.
Genome position (GRCh38, 1-based): chr9:132,896,664, C deleted on the plus strand (G on the coding strand, the reverse complement: TSC1 is on the minus strand); the first of 2 consecutive C bases (chr9:132,896,664-132,896,665); deleting either gives the same sequence. VCF-style (leftmost placement, unchanged base first): chr9-132896663-GC-G. GRCh37 (hg19) VCF-style: chr9-135772050-GC-G.
Other names: c.3063del, p.Arg1021fs (NM_001162426.2); c.2913del, p.Arg971fs (NM_001162427.2); c.2703del, p.Arg901fs (NM_001362177.2); c.3065delG, p.Arg1022Serfs (NM_001406592.1, NM_001406593.1, NM_001406594.1 and 2 more transcripts); c.3062delG, p.Arg1021Serfs (NM_001406597.1, NM_001406598.1, NM_001406599.1 and 1 more transcripts); c.3050delG, p.Arg1017Serfs (NM_001406601.1, NM_001406602.1); c.3047delG, p.Arg1016Serfs (NM_001406603.1, NM_001406604.1); c.3023delG, p.Arg1008Serfs (NM_001406605.1, NM_001406606.1, NM_001406607.1); and 12 more; short protein forms R1021fs, R1022fs, R971fs, R901fs.
Identifiers: ClinVar variation 1799431 (VCV001799431.2), dbSNP rs2538454682, ClinGen allele CA2580080087.

ClinVar aggregate classification (germline): Uncertain significance (1 of 4 stars; one submission).

Conditions:
Hereditary cancer-predisposing syndrome. Also called: Neoplastic Syndromes, Hereditary; Tumor predisposition; Hereditary Cancer Syndrome; Hereditary neoplastic syndrome. Identifiers: Orphanet 140162, MedGen C0027672, MeSH D009386, MONDO:0015356.

Submission:

Ambry Genetics
Classification: Uncertain significance for Hereditary cancer-predisposing syndrome. Last evaluated: 2020-07-06. Review status: criteria provided, single submitter. Criteria: Ambry Variant Classification Scheme 2023. Collection method: clinical testing. Allele origin: germline.
Comment: The c.3066delG variant, located in coding exon 21 of the TSC1 gene, results from a deletion of one nucleotide at nucleotide position 3066, causing a translational frameshift with a predicted alternate stop codon (p.R1022Sfs*69). Premature stop codons are typically deleterious in nature, however, this stop codon occurs at the 3' terminus of TSC1, is not expected to trigger nonsense-mediated mRNA decay, alters 67 amino acids and then removes the last 75 amino acids of the protein. The exact functional impact of these removed amino acids is unknown at this time. Since supporting evidence is limited at this time, the clinical significance of this alteration remains unclear.